The following is an entry in ClinVar:

NM_138387.4(G6PC3):c.267C>G (p.Tyr89Ter)

Gene: G6PC3 (glucose-6-phosphatase catalytic subunit 3; plus strand). Cytogenetic location: 17q21.31.
Variant type: single nucleotide variant.
Coding change: c.267C>G on transcript NM_138387.4 (MANE Select); coding-DNA position 267, C replaced by G.
Protein change: p.Tyr89Ter; replaces tyrosine 89 with a stop codon.
Molecular consequence: nonsense. On other transcripts: 5 prime UTR variant (4).
Genome position (GRCh38, 1-based): chr17:44,074,208, C>G. VCF-style: chr17-44074208-C-G. GRCh37 (hg19) VCF-style: chr17-42151576-C-G.
Other names: c.267C>G, p.Tyr89Ter (NM_001319945.2); c.-79C>G (NM_001384165.1, NM_001384166.1, NM_001384167.1 and 1 more transcripts); short protein forms Y89*.
Identifiers: ClinVar variation 2832417 (VCV002832417.3), dbSNP rs2050032479, ClinGen allele CA399725734.

ClinVar aggregate classification (germline): Pathogenic (1 of 4 stars; one submission).

Conditions:
Autosomal recessive severe congenital neutropenia due to G6PC3 deficiency. Also called: NEUTROPENIA, SEVERE CONGENITAL, 4, AUTOSOMAL RECESSIVE; G6PC3 Deficiency. Identifiers: Orphanet 331176, MedGen C2751630, MONDO:0012930, OMIM 612541.

Allele frequency attached by ClinVar (database versions not stated): TOPMed below 0.00001.

Submission:

Labcorp Genetics (formerly Invitae), Labcorp
Classification: Pathogenic for Autosomal recessive severe congenital neutropenia due to G6PC3 deficiency. Last evaluated: 2023-01-28. Review status: criteria provided, single submitter. Criteria: Invitae Variant Classification Sherloc (09022015). Collection method: clinical testing. Allele origin: germline.
Comment: This variant is not present in population databases (gnomAD no frequency). For these reasons, this variant has been classified as Pathogenic. Algorithms developed to predict the effect of sequence changes on RNA splicing suggest that this variant may disrupt the consensus splice site. This variant has not been reported in the literature in individuals affected with G6PC3-related conditions. This sequence change creates a premature translational stop signal (p.Tyr89*) in the G6PC3 gene. It is expected to result in an absent or disrupted protein product. Loss-of-function variants in G6PC3 are known to be pathogenic (PMID: 19118303, 25491320).

Literature cited by the submitters: PubMed 19118303; PubMed 25491320.